The following is an entry in ClinVar:

NM_000903.3(NQO1):c.256G>A (p.Val86Met)

Gene: NQO1 (NAD(P)H quinone dehydrogenase 1; minus strand). Cytogenetic location: 16q22.1.
Variant type: single nucleotide variant.
Coding change: c.256G>A on transcript NM_000903.3 (MANE Select); coding-DNA position 256, G replaced by A.
Protein change: p.Val86Met; replaces valine 86 with methionine.
Molecular consequence: missense variant.
Genome position (GRCh38, 1-based): chr16:69,718,170, C>T on the plus strand (G>A on the coding strand, the complement: NQO1 is on the minus strand). VCF-style: chr16-69718170-C-T. GRCh37 (hg19) VCF-style: chr16-69752073-C-T.
Other names: c.256G>A, p.Val86Met (NM_001025433.2, NM_001025434.2, NM_001286137.2); short protein forms V86M.
Identifiers: ClinVar variation 1793223 (VCV001793223.3), dbSNP rs2038139651, ClinGen allele CA396489947.

ClinVar aggregate classification (germline): Uncertain significance (1 of 4 stars; one submission).

Submission:

Ambry Genetics
Classification: Uncertain significance. Last evaluated: 2024-10-23. Review status: criteria provided, single submitter. Criteria: Ambry Variant Classification Scheme 2023. Collection method: clinical testing. Allele origin: germline.
Comment: The p.V86M variant (also known as c.256G>A), located in coding exon 3 of the NQO1 gene, results from a G to A substitution at nucleotide position 256. The valine at codon 86 is replaced by methionine, an amino acid with highly similar properties. This amino acid position is conserved. In addition, this alteration is predicted to be tolerated by in silico analysis. Since supporting evidence is limited at this time, the clinical significance of this alteration remains unclear.